The following is an entry in ClinVar:

NM_017721.5(CC2D1A):c.946+6A>G

Gene: CC2D1A (coiled-coil and C2 domain containing 1A; plus strand). Cytogenetic location: 19p13.12.
Variant type: single nucleotide variant.
Coding change: c.946+6A>G on transcript NM_017721.5 (MANE Select); 6 bases into the intron after coding-DNA position 946, A replaced by G.
Molecular consequence: intron variant.
Genome position (GRCh38, 1-based): chr19:13,918,582, A>G. VCF-style: chr19-13918582-A-G. GRCh37 (hg19) VCF-style: chr19-14029395-A-G.
Identifiers: ClinVar variation 434597 (VCV000434597.8), dbSNP rs1555733804, ClinGen allele CA505788325.

ClinVar aggregate classification (germline): Uncertain significance. Review status: criteria provided, multiple submitters, no conflicts (2 of 4 stars). 2 submissions from 2 submitters: Uncertain significance (2). Last evaluated 2021-09-08.

Conditions:
Inborn genetic diseases. Identifiers: MedGen C0950123, MeSH D030342.

Allele frequency attached by ClinVar (database versions not stated): gnomAD exomes below 0.00001.
gnomAD v4.1: 1 of 1,612,894 alleles (0.000062%); highest among the groups gnomAD compares: Non-Finnish European, 0.000085%; no homozygotes.

Submissions (2):

Ambry Genetics
Classification: Uncertain significance for Inborn genetic diseases. Last evaluated: 2021-09-08. Review status: criteria provided, single submitter. Criteria: Ambry Variant Classification Scheme 2023. Collection method: clinical testing. Allele origin: germline.
Comment: The c.946+6A>G intronic alteration consists of a A to G substitution 6 nucleotides after exon 8 of the CC2D1A gene. Based on insufficient or conflicting evidence, the clinical significance of this alteration remains unclear.

Genetic Services Laboratory, University of Chicago
Classification: Uncertain significance. Last evaluated: 2015-10-23. Review status: criteria provided, single submitter. Criteria: ACMG Guidelines, 2015. Collection method: clinical testing. Allele origin: germline. Affected: no.